The following is an entry in ClinVar:

ClinVar aggregate classification (germline): Likely benign (1 of 4 stars; one submission).

gnomAD v4.1: 119 of 1,612,858 alleles (0.0074%); highest among the groups gnomAD compares: Non-Finnish European, 0.0096%; no homozygotes.

Submission:

CeGaT Center for Human Genetics Tuebingen
Classification: Likely benign. Last evaluated: 2025-10-01. Review status: criteria provided, single submitter. Criteria: CeGaT Center For Human Genetics Tuebingen Variant Classification Criteria Version 2. Collection method: clinical testing. Allele origin: germline. Affected: yes. Observed: 1 variant allele.
Comment: CAPN7: BP4, BP7

NM_014296.3(CAPN7):c.1374C>T (p.His458=)

Gene: CAPN7 (calpain 7; plus strand). Cytogenetic location: 3p25.1.
Variant type: single nucleotide variant.
Coding change: c.1374C>T on transcript NM_014296.3 (MANE Select); coding-DNA position 1374, C replaced by T.
Protein change: p.His458=; no amino-acid change (histidine 458 retained).
Molecular consequence: synonymous variant. On other transcripts: non-coding transcript variant (7).
Genome position (GRCh38, 1-based): chr3:15,235,112, C>T. VCF-style: chr3-15235112-C-T. GRCh37 (hg19) VCF-style: chr3-15276619-C-T.
Other names: c.1242C>T, p.His414= (NM_001376086.1, NM_001376091.1); c.1173C>T, p.His391= (NM_001376087.1); c.1374C>T, p.His458= (NM_001376089.1, NM_001376090.1); c.1101C>T, p.His367= (NM_001376093.1).
Identifiers: ClinVar variation 4534205 (VCV004534205.6).